The following is an entry in ClinVar:

ClinVar aggregate classification (germline): Conflicting classifications of pathogenicity. Review status: criteria provided, conflicting classifications (1 of 4 stars). 5 submissions from 4 submitters: Uncertain significance (3); Benign (1); Likely benign (1). Last evaluated 2026-01-26.

Conditions:
Retinitis pigmentosa (RP). Identifiers: Orphanet 791, MedGen C0035334, MeSH D012174, MONDO:0019200, OMIM 268000. Inheritance: Autosomal dominant, autosomal recessive and X linked inheritance.
Retinal dystrophy. Also called: Inherited retinal dystrophy. Identifiers: Orphanet 71862, MedGen C0854723, MeSH D058499, MONDO:0019118, HP:0000556.
Congenital stationary night blindness autosomal dominant 2. Also called: NIGHT BLINDNESS, CONGENITAL STATIONARY, RAMBUSCH TYPE. Identifiers: Orphanet 215, MedGen C1876182, MONDO:0008099, OMIM 163500.

Allele frequency attached by ClinVar (database versions not stated): gnomAD 0.00006 and 0.00013; TOPMed 0.00009; gnomAD exomes 0.00014 and 0.00021; ExAC 0.00023; 1000 Genomes Project 30x 0.00047; 1000 Genomes Project 0.00060.
gnomAD v4.1: 225 of 1,609,418 alleles (0.014%); highest among the groups gnomAD compares: Middle Eastern, 0.099%; no homozygotes.

Submissions (5):

Labcorp Genetics (formerly Invitae), Labcorp
Classification: Uncertain significance. Last evaluated: 2026-01-26. Review status: criteria provided, single submitter. Criteria: Invitae Variant Classification Sherloc (09022015). Collection method: clinical testing. Allele origin: germline.
Comment: This sequence change replaces serine, which is neutral and polar, with threonine, which is neutral and polar, at codon 700 of the PDE6B protein (p.Ser700Thr). This variant is present in population databases (rs149880099, gnomAD 0.1%). This variant has not been reported in the literature in individuals affected with PDE6B-related conditions. ClinVar contains an entry for this variant (Variation ID: 349386). Invitae Evidence Modeling of protein sequence and biophysical properties (such as structural, functional, and spatial information, amino acid conservation, physicochemical variation, residue mobility, and thermodynamic stability) has been performed for this missense variant. However, the output from this modeling did not meet the statistical confidence thresholds required to predict the impact of this variant on PDE6B protein function. In summary, the available evidence is currently insufficient to determine the role of this variant in disease. Therefore, it has been classified as a Variant of Uncertain Significance.

Blueprint Genetics
Classification: Likely benign. Last evaluated: 2024-11-26. Review status: criteria provided, single submitter. Criteria: ACMG Guidelines, 2015. Collection method: clinical testing. Allele origin: germline.

Dept Of Ophthalmology, Nagoya University
Classification: Uncertain significance for Retinal dystrophy. Last evaluated: 2023-10-01. Review status: criteria provided, single submitter. Criteria: Submitter's publication. Collection method: research. Allele origin: germline. Affected: yes.

Illumina Laboratory Services, Illumina
Classification: Uncertain significance for Retinitis pigmentosa. Last evaluated: 2018-01-12. Review status: criteria provided, single submitter. Criteria: ICSL Variant Classification Criteria 13 December 2019. Collection method: clinical testing. Allele origin: germline.

Illumina Laboratory Services, Illumina
Classification: Benign for Congenital stationary night blindness autosomal dominant 2. Last evaluated: 2018-01-12. Review status: criteria provided, single submitter. Criteria: ICSL Variant Classification Criteria 13 December 2019. Collection method: clinical testing. Allele origin: germline.
Comment: This variant was observed in the ICSL laboratory as part of a predisposition screen in an ostensibly healthy population. It had not been previously curated by ICSL or reported in the Human Gene Mutation Database (HGMD: prior to June 1st, 2018), and was therefore a candidate for classification through an automated scoring system. Utilizing variant allele frequency, disease prevalence and penetrance estimates, and inheritance mode, an automated score was calculated to assess if this variant is too frequent to cause the disease. Based on the score and internal cut-off values, a variant classified as benign is not then subjected to further curation. The score for this variant resulted in a classification of benign for this disease.

NM_000283.4(PDE6B):c.2098T>A (p.Ser700Thr)

Gene: PDE6B (phosphodiesterase 6B; plus strand). Cytogenetic location: 4p16.3.
Variant type: single nucleotide variant.
Coding change: c.2098T>A on transcript NM_000283.4 (MANE Select); coding-DNA position 2098, T replaced by A.
Protein change: p.Ser700Thr; replaces serine 700 with threonine.
Molecular consequence: missense variant.
Genome position (GRCh38, 1-based): chr4:664,190, T>A. VCF-style: chr4-664190-T-A. GRCh37 (hg19) VCF-style: chr4-657979-T-A.
Other names: c.2098T>A, p.Ser700Thr (NM_001145291.2); c.1261T>A, p.Ser421Thr (NM_001145292.2, NM_001350154.3, NM_001379246.1 and 1 more transcripts); c.943T>A, p.Ser315Thr (NM_001350155.3); short protein forms S700T, S315T, S421T.
Identifiers: ClinVar variation 349386 (VCV000349386.14), dbSNP rs149880099, ClinGen allele CA2794844.